The following is an entry in ClinVar:

NM_203446.3(SYNJ1):c.-64_-53dup

Gene: SYNJ1 (synaptojanin 1; minus strand). Cytogenetic location: 21q22.11.
Variant type: Duplication.
Coding change: c.-64_-53dup on transcript NM_203446.3 (MANE Select); 64 bases upstream of the start codon through 53 bases upstream of the start codon, 12 bases duplicated (CGGCGGCTGCGG).
Molecular consequence: 5 prime UTR variant. On other transcripts: inframe indel (1).
Genome position (GRCh38, 1-based): chr21:32,727,976-32,727,987, CCGCAGCCGCCG duplicated on the plus strand (CGGCGGCTGCGG on the coding strand, the reverse complement: SYNJ1 is on the minus strand); duplicating any 12 consecutive bases within chr21:32,727,976-32,727,989 gives the same sequence; the c. name uses the placement nearest the transcript's 3' end. VCF-style (leftmost placement, unchanged base first): chr21-32727975-C-CCCGCAGCCGCCG. GRCh37 (hg19) VCF-style: chr21-34100286-C-CCCGCAGCCGCCG.
Other names: c.52_63dup, p.Gly22_Arg23insGlyGlyCysGly (NM_003895.4).
Identifiers: ClinVar variation 943080 (VCV000943080.11), dbSNP rs1427487040, ClinGen allele CA1021890294.

ClinVar aggregate classification (germline): Uncertain significance. Review status: criteria provided, multiple submitters, no conflicts (2 of 4 stars). 2 submissions from 2 submitters: Uncertain significance (2). Last evaluated 2024-10-16.

Conditions:
Early-onset Parkinson disease 20. Also called: PARKINSON DISEASE 20, AUTOSOMAL RECESSIVE EARLY-ONSET. Identifiers: Orphanet 391411, MedGen C3809824, MONDO:0014233, OMIM 615530.
Developmental and epileptic encephalopathy, 53. Also called: Epileptic encephalopathy, early infantile, 53. Identifiers: MedGen C4479313, MONDO:0033362, OMIM 617389.

Submissions (2):

Blueprint Genetics
Classification: Uncertain significance. Last evaluated: 2024-10-16. Review status: criteria provided, single submitter. Criteria: ACMG Guidelines, 2015. Collection method: clinical testing. Allele origin: germline.

Labcorp Genetics (formerly Invitae), Labcorp
Classification: Uncertain significance for Developmental and epileptic encephalopathy, 53; Early-onset Parkinson disease 20. Last evaluated: 2022-02-27. Review status: criteria provided, single submitter. Criteria: Invitae Variant Classification Sherloc (09022015). Collection method: clinical testing. Allele origin: germline.
Comment: This variant, c.54_65dup, results in the insertion of 4 amino acid(s) of the SYNJ1 protein (p.Gly19_Gly22dup), but otherwise preserves the integrity of the reading frame. This variant is not present in population databases (gnomAD no frequency). This variant has not been reported in the literature in individuals affected with SYNJ1-related conditions. ClinVar contains an entry for this variant (Variation ID: 943080). Experimental studies and prediction algorithms are not available or were not evaluated, and the functional significance of this variant is currently unknown. In summary, the available evidence is currently insufficient to determine the role of this variant in disease. Therefore, it has been classified as a Variant of Uncertain Significance.